The following is an entry in ClinVar:

NM_012337.3(CFAP45):c.129+2T>C

Gene: CFAP45 (cilia and flagella associated protein 45; minus strand). Cytogenetic location: 1q23.2.
Variant type: single nucleotide variant.
Coding change: c.129+2T>C on transcript NM_012337.3 (MANE Select); the canonical splice donor site of the intron after coding-DNA position 129, T replaced by C.
Molecular consequence: splice donor variant.
Genome position (GRCh38, 1-based): chr1:159,893,178, A>G on the plus strand (T>C on the coding strand, the complement: CFAP45 is on the minus strand). VCF-style: chr1-159893178-A-G. GRCh37 (hg19) VCF-style: chr1-159862968-A-G.
Identifiers: ClinVar variation 5005017 (VCV005005017.2).

ClinVar aggregate classification (germline): Uncertain significance (1 of 4 stars; one submission).

Conditions:
Heterotaxy, visceral, 11, autosomal, with male infertility. Identifiers: MedGen C5562019, MONDO:0030475, OMIM 619608.

Submission:

Juno Genomics, Hangzhou Juno Genomics, Inc
Classification: Uncertain significance for Heterotaxy, visceral, 11, autosomal, with male infertility. Review status: criteria provided, single submitter. Criteria: ACMG Guidelines, 2015. Collection method: clinical testing. Allele origin: germline.
Comment: Absent from controls (or at extremely low frequency if recessive) in Genome Aggregation Database.